The following is an entry in ClinVar:

ClinVar aggregate classification (germline): Uncertain significance. Review status: criteria provided, multiple submitters, no conflicts (2 of 4 stars). 2 submissions from 2 submitters: Uncertain significance (2). Last evaluated 2025-12-18.

Conditions:
Inborn genetic diseases. Identifiers: MedGen C0950123, MeSH D030342.

Allele frequency attached by ClinVar (database versions not stated): gnomAD exomes below 0.00001; TOPMed below 0.00001; ExAC 0.00001; gnomAD 0.00001.
gnomAD v4.1: 6 of 1,613,998 alleles (0.00037%); highest among the groups gnomAD compares: South Asian, 0.0033%; no homozygotes.

Submissions (2):

Labcorp Genetics (formerly Invitae), Labcorp
Classification: Uncertain significance. Last evaluated: 2025-12-18. Review status: criteria provided, single submitter. Criteria: Invitae Variant Classification Sherloc (09022015). Collection method: clinical testing. Allele origin: germline.
Comment: This sequence change replaces glycine, which is neutral and non-polar, with glutamic acid, which is acidic and polar, at codon 120 of the VIPAS39 protein (p.Gly120Glu). This variant is present in population databases (rs775051184, gnomAD 0.006%). This variant has not been reported in the literature in individuals affected with VIPAS39-related conditions. ClinVar contains an entry for this variant (Variation ID: 2330202). Invitae Evidence Modeling of protein sequence and biophysical properties (such as structural, functional, and spatial information, amino acid conservation, physicochemical variation, residue mobility, and thermodynamic stability) indicates that this missense variant is not expected to disrupt VIPAS39 protein function with a negative predictive value of 80%. Algorithms developed to predict the effect of sequence changes on RNA splicing suggest that this variant may disrupt the consensus splice site. In summary, the available evidence is currently insufficient to determine the role of this variant in disease. Therefore, it has been classified as a Variant of Uncertain Significance.

Ambry Genetics
Classification: Uncertain significance for Inborn genetic diseases. Last evaluated: 2022-11-30. Review status: criteria provided, single submitter. Criteria: Ambry Variant Classification Scheme 2023. Collection method: clinical testing. Allele origin: germline.

NM_001193315.2(VIPAS39):c.359G>A (p.Gly120Glu)

Gene: VIPAS39 (VPS33B interacting protein, apical-basolateral polarity regulator, spe-39 homolog; minus strand). Cytogenetic location: 14q24.3.
Variant type: single nucleotide variant.
Coding change: c.359G>A on transcript NM_001193315.2 (MANE Select); coding-DNA position 359, G replaced by A.
Protein change: p.Gly120Glu; replaces glycine 120 with glutamic acid.
Molecular consequence: missense variant. On other transcripts: non-coding transcript variant (1).
Genome position (GRCh38, 1-based): chr14:77,449,737, C>T on the plus strand (G>A on the coding strand, the complement: VIPAS39 is on the minus strand). VCF-style: chr14-77449737-C-T. GRCh37 (hg19) VCF-style: chr14-77916080-C-T.
Other names: c.359G>A, p.Gly120Glu (NM_001193314.2, NM_001193317.2, NM_001400326.1 and 11 more transcripts); c.212G>A, p.Gly71Glu (NM_001193316.2, NM_001400324.1, NM_001400325.1 and 1 more transcripts); short protein forms G71E, G120E.
Identifiers: ClinVar variation 2330202 (VCV002330202.3), dbSNP rs775051184, ClinGen allele CA7288127.
Genomic context (GRCh38, chr14:77,449,737, plus strand): 5'-ATTTCCCACAGCAATTAAAAGAGGGTTCAATGCCTACCATCAGAAAGGGACTGGAAACTT[C>T]CAGGTCTAGTTCTACCTAAAGGTAAAGAACACAAGAGGGAAAAGGTCAACAGTTTCAATC-3'
Protein context (NP_001180244.1, residues 110-130): SSFFRGRTRP[Gly120Glu]SFQSLSDALS